The following is an entry in ClinVar:

NM_001128840.3(CACNA1D):c.3314+1G>C

Gene: CACNA1D (calcium voltage-gated channel subunit alpha1 D; plus strand). Cytogenetic location: 3p21.1.
Variant type: single nucleotide variant.
Coding change: c.3314+1G>C on transcript NM_001128840.3 (MANE Select); the canonical splice donor site of the intron after coding-DNA position 3314, G replaced by C.
Molecular consequence: splice donor variant.
Genome position (GRCh38, 1-based): chr3:53,747,449, G>C. VCF-style: chr3-53747449-G-C. GRCh37 (hg19) VCF-style: chr3-53781476-G-C.
Other names: c.3314+1G>C (NM_001128839.3); c.3374+1G>C (NM_000720.4).
Identifiers: ClinVar variation 1711931 (VCV001711931.4), dbSNP rs2473960715, ClinGen allele CA353247945.

ClinVar aggregate classification (germline): Uncertain significance. Review status: criteria provided, multiple submitters, no conflicts (2 of 4 stars). 2 submissions from 2 submitters: Uncertain significance (2). Last evaluated 2024-07-06.

Submissions (2):

Labcorp Genetics (formerly Invitae), Labcorp
Classification: Uncertain significance. Last evaluated: 2024-07-06. Review status: criteria provided, single submitter. Criteria: Invitae Variant Classification Sherloc (09022015). Collection method: clinical testing. Allele origin: germline.
Comment: This sequence change affects a donor splice site in intron 27 of the CACNA1D gene. It is expected to disrupt RNA splicing. Variants that disrupt the donor or acceptor splice site typically lead to a loss of protein function (PMID: 16199547), however the current clinical and genetic evidence is not sufficient to establish whether loss-of-function variants in CACNA1D cause disease. This variant is not present in population databases (gnomAD no frequency). This variant has not been reported in the literature in individuals affected with CACNA1D-related conditions. ClinVar contains an entry for this variant (Variation ID: 1711931). Algorithms developed to predict the effect of sequence changes on RNA splicing suggest that this variant may disrupt the consensus splice site. In summary, the available evidence is currently insufficient to determine the role of this variant in disease. Therefore, it has been classified as a Variant of Uncertain Significance.

GeneDx
Classification: Uncertain significance. Last evaluated: 2022-04-22. Review status: criteria provided, single submitter. Criteria: GeneDx Variant Classification Process June 2021. Collection method: clinical testing. Allele origin: germline. Affected: yes.
Comment: Not observed at significant frequency in large population cohorts (gnomAD); Canonical splice site variant with an unclear effect on protein function; Has not been previously published as pathogenic or benign to our knowledge

Literature cited by the submitters: PubMed 16199547 (cited by Labcorp Genetics (formerly Invitae), Labcorp).